The following is an entry in ClinVar:

NM_170682.4(P2RX2):c.905G>C (p.Arg302Thr)

Gene: P2RX2 (purinergic receptor P2X 2; plus strand). Cytogenetic location: 12q24.33.
Variant type: single nucleotide variant.
Coding change: c.905G>C on transcript NM_170682.4 (MANE Select); coding-DNA position 905, G replaced by C.
Protein change: p.Arg302Thr; replaces arginine 302 with threonine.
Molecular consequence: missense variant.
Genome position (GRCh38, 1-based): chr12:132,621,131, G>C. VCF-style: chr12-132621131-G-C. GRCh37 (hg19) VCF-style: chr12-133197717-G-C.
Other names: c.803G>C, p.Arg268Thr (NM_001282164.2); c.905G>C, p.Arg302Thr (NM_001282165.2, NM_170683.4, NM_174873.3); c.689G>C, p.Arg230Thr (NM_012226.5); c.833G>C, p.Arg278Thr (NM_016318.4); c.629G>C, p.Arg210Thr (NM_174872.3); short protein forms R268T, R302T, R210T, R278T, R230T.
Identifiers: ClinVar variation 931212 (VCV000931212.5), dbSNP rs2041656946, ClinGen allele CA387361294.

ClinVar aggregate classification (germline): Uncertain significance. Review status: criteria provided, multiple submitters, no conflicts (2 of 4 stars). 2 submissions from 2 submitters: Uncertain significance (2). Last evaluated 2026-05-01.

Conditions:
Autosomal dominant nonsyndromic hearing loss 41. Also called: Deafness, autosomal dominant 41. Identifiers: Orphanet 90635, MedGen C1842371, MONDO:0011994, OMIM 608224.

Allele frequency attached by ClinVar (database versions not stated): gnomAD 0.00001.

Submissions (2):

CeGaT Center for Human Genetics Tuebingen
Classification: Uncertain significance. Last evaluated: 2026-05-01. Review status: criteria provided, single submitter. Criteria: CeGaT Center For Human Genetics Tuebingen Variant Classification Criteria Version 2. Collection method: clinical testing. Allele origin: germline. Affected: yes. Observed: 1 variant allele.
Comment: P2RX2: PM2, PP3

Centre for Mendelian Genomics, University Medical Centre Ljubljana
Classification: Uncertain significance for Autosomal dominant nonsyndromic hearing loss 41. Last evaluated: 2019-10-01. Review status: criteria provided, single submitter. Criteria: ACMG Guidelines, 2015. Collection method: clinical testing. Allele origin: unknown. Affected: yes.
Comment: This variant was classified as: Uncertain significance. The available evidence on this variant's pathogenicity is insufficient or conflicting. The following ACMG criteria were applied in classifying this variant: PM2,PP3.